The following is an entry in ClinVar:

NM_001130987.2(DYSF):c.1577-10T>C

Gene: DYSF (dysferlin; plus strand). Cytogenetic location: 2p13.2.
Variant type: single nucleotide variant.
Coding change: c.1577-10T>C on transcript NM_001130987.2 (MANE Select); 10 bases into the intron before coding-DNA position 1577, T replaced by C.
Molecular consequence: intron variant.
Genome position (GRCh38, 1-based): chr2:71,551,031, T>C. VCF-style: chr2-71551031-T-C. GRCh37 (hg19) VCF-style: chr2-71778161-T-C.
Other names: c.1616-10T>C (NM_001130979.2); c.1574-10T>C (NM_001130981.2, NM_001130980.2); c.1523-10T>C (NM_001130978.2, NM_003494.4); c.1481-10T>C (NM_001130977.2, NM_001130976.2); c.1619-10T>C (NM_001130982.2); c.1577-10T>C (NM_001130985.2); c.1526-10T>C (NM_001130983.2, NM_001130455.2); c.1484-10T>C (NM_001130984.2, NM_001130986.2).
Identifiers: ClinVar variation 514030 (VCV000514030.10), dbSNP rs371967475, ClinGen allele CA1705866.
Genomic context (GRCh38, chr2:71,551,031, plus strand): 5'-AAGGTGGCTGGGTGGAGCATTGGGAAGCCCCACTGGGCCGACCCCTCTGATTGCCACTTG[T>C]GTCTCCCAGTGGATGACTACCTGGGCTTCCTCCCCACTTTTGGGCCCTGCTACATCAACC-3'

ClinVar aggregate classification (germline): Conflicting classifications of pathogenicity. Review status: criteria provided, conflicting classifications (1 of 4 stars). 3 submissions from 3 submitters: Uncertain significance (1); Likely benign (2). Last evaluated 2026-01-26.

Conditions:
Neuromuscular disease caused by qualitative or quantitative defects of dysferlin. Also called: Dysferlinopathy; Qualitative or quantitative defects of dysferlin. Identifiers: Orphanet 207073, MedGen C2931687, MONDO:0016145.

Allele frequency attached by ClinVar (database versions not stated): gnomAD 0.00001 and 0.00002; ExAC 0.00002; gnomAD exomes 0.00002 and 0.00003; TOPMed 0.00003; ESP Exome Variant Server 0.00008.
gnomAD v4.1: 44 of 1,611,662 alleles (0.0027%); highest among the groups gnomAD compares: Admixed American, 0.0067%; no homozygotes.

Submissions (3):

Labcorp Genetics (formerly Invitae), Labcorp
Classification: Likely benign for Neuromuscular disease caused by qualitative or quantitative defects of dysferlin. Last evaluated: 2026-01-26. Review status: criteria provided, single submitter. Criteria: Invitae Variant Classification Sherloc (09022015). Collection method: clinical testing. Allele origin: germline.

Eurofins Ntd Llc (ga)
Classification: Uncertain significance. Last evaluated: 2018-08-10. Review status: criteria provided, single submitter. Criteria: EGL ClinVar v180209 classification definitions. Collection method: clinical testing. Allele origin: germline. Observed: 1 variant allele, 1 heterozygote.

GeneDx
Classification: Likely benign. Last evaluated: 2017-12-12. Review status: criteria provided, single submitter. Criteria: GeneDx Variant Classification (06012015). Collection method: clinical testing. Allele origin: germline. Affected: yes.
Comment: This variant is considered likely benign or benign based on one or more of the following criteria: it is a conservative change, it occurs at a poorly conserved position in the protein, it is predicted to be benign by multiple in silico algorithms, and/or has population frequency not consistent with disease.